The following is an entry in ClinVar:

ClinVar aggregate classification (germline): Likely benign. Review status: criteria provided, multiple submitters, no conflicts (2 of 4 stars). 5 submissions from 5 submitters: Likely benign (4). 1 of the submissions does not count toward it. Last evaluated 2026-01-21.

Conditions:
CTNNA1-related disorder. Also called: CTNNA1-related condition.
Hereditary diffuse gastric adenocarcinoma (HDGC). Also called: DIFFUSE GASTRIC AND LOBULAR BREAST CANCER SYNDROME. Identifiers: Orphanet 26106, MedGen C1708349, MONDO:0007648, OMIM 137215.

Allele frequency attached by ClinVar (database versions not stated): gnomAD exomes 0.00002 and 0.00005; ExAC 0.00007; gnomAD 0.00012 and 0.00014; ESP Exome Variant Server 0.00015; TOPMed 0.00020.
gnomAD v4.1: 50 of 1,613,608 alleles (0.0031%); highest among the groups gnomAD compares: African/African-American, 0.059%; no homozygotes.

Submissions (5):

Labcorp Genetics (formerly Invitae), Labcorp
Classification: Likely benign. Last evaluated: 2026-01-21. Review status: criteria provided, single submitter. Criteria: Invitae Variant Classification Sherloc (09022015). Collection method: clinical testing. Allele origin: germline.

Myriad Genetics, Inc.
Classification: Likely benign for Hereditary diffuse gastric adenocarcinoma. Last evaluated: 2024-10-11. Review status: criteria provided, single submitter. Criteria: Myriad Autosomal Dominant, Autosomal Recessive and X-Linked Classification Criteria (2023). Collection method: clinical testing. Allele origin: unknown.
Comment: This variant is considered likely benign. This variant is intronic and is not expected to impact mRNA splicing.

Blueprint Genetics
Classification: Likely benign. Last evaluated: 2023-10-17. Review status: criteria provided, single submitter. Criteria: ACMG Guidelines, 2015. Collection method: clinical testing. Allele origin: germline.

Breakthrough Genomics
Classification: Likely benign. Review status: criteria provided, single submitter. Criteria: ACMG Guidelines, 2015. Collection method: not provided. Allele origin: germline. Inheritance: Autosomal dominant inheritance. Affected: yes.

PreventionGenetics, part of Exact Sciences
Classification: Likely benign for CTNNA1-related condition. Last evaluated: 2024-06-17. Review status: no assertion criteria provided. Collection method: clinical testing. Allele origin: germline. Not counted in ClinVar's aggregate classification.
Comment: This variant is classified as likely benign based on ACMG/AMP sequence variant interpretation guidelines (Richards et al. 2015 PMID: 25741868, with internal and published modifications).

NM_001903.5(CTNNA1):c.1547-9G>A

Gene: CTNNA1 (catenin alpha 1; plus strand). Cytogenetic location: 5q31.2.
Variant type: single nucleotide variant.
Coding change: c.1547-9G>A on transcript NM_001903.5 (MANE Select); 9 bases into the intron before coding-DNA position 1547, G replaced by A.
Molecular consequence: intron variant.
Genome position (GRCh38, 1-based): chr5:138,924,501, G>A. VCF-style: chr5-138924501-G-A. GRCh37 (hg19) VCF-style: chr5-138260190-G-A.
Other names: c.1547-9G>A (NM_001903.4, NM_001323982.2, NM_001323984.2 and 3 more transcripts); c.1454-9G>A (NM_001323986.2); c.1178-9G>A (NM_001290310.3); c.1238-9G>A (NM_001290309.3); c.437-9G>A (NM_001323996.1, NM_001323993.1, NM_001324005.1 and 17 more transcripts); c.98-9G>A (NM_001324007.1, NM_001324009.1, NM_001324006.1 and 2 more transcripts); c.194-9G>A (NM_001324013.1, NM_001324012.1); c.344-9G>A (NM_001324011.1).
Identifiers: ClinVar variation 701599 (VCV000701599.14), dbSNP rs370061694, ClinGen allele CA3431992.